The following is an entry in ClinVar:

NM_002661.5(PLCG2):c.2713G>C (p.Glu905Gln)

Gene: PLCG2 (phospholipase C gamma 2; plus strand). Cytogenetic location: 16q23.3.
Variant type: single nucleotide variant.
Coding change: c.2713G>C on transcript NM_002661.5 (MANE Select); coding-DNA position 2713, G replaced by C.
Protein change: p.Glu905Gln; replaces glutamic acid 905 with glutamine.
Molecular consequence: missense variant.
Genome position (GRCh38, 1-based): chr16:81,931,628, G>C. VCF-style: chr16-81931628-G-C. GRCh37 (hg19) VCF-style: chr16-81965233-G-C.
Other names: short protein forms E905Q.
Identifiers: ClinVar variation 1923594 (VCV001923594.5), dbSNP rs2507737682, ClinGen allele CA396903808.
Genomic context (GRCh38, chr16:81,931,628, plus strand): 5'-CCGGTGGAGTTTGCCACAGACAGGGTGGAGGAGCTCTTTGAGTGGTTTCAGAGCATCCGA[G>C]AGATCACCTGGAAGATTGACACCAAGGTAGGCACCTGCTCACCCGGGTGCAGGTGGGCCT-3'
Protein context (NP_002652.2, residues 895-915): ELFEWFQSIR[Glu905Gln]ITWKIDTKEN

ClinVar aggregate classification (germline): Uncertain significance (1 of 4 stars; one submission).

Conditions:
Familial cold autoinflammatory syndrome 3 (FCAS3). Also called: FAMILIAL ATYPICAL COLD URTICARIA; ANTIBODY DEFICIENCY AND IMMUNE DYSREGULATION, PLCG2-ASSOCIATED. Identifiers: Orphanet 300359, MedGen C3280914, MONDO:0013766, OMIM 614468.

Submission:

Labcorp Genetics (formerly Invitae), Labcorp
Classification: Uncertain significance for Familial cold autoinflammatory syndrome 3. Last evaluated: 2024-01-13. Review status: criteria provided, single submitter. Criteria: Invitae Variant Classification Sherloc (09022015). Collection method: clinical testing. Allele origin: germline.
Comment: This sequence change replaces glutamic acid, which is acidic and polar, with glutamine, which is neutral and polar, at codon 905 of the PLCG2 protein (p.Glu905Gln). This variant is not present in population databases (gnomAD no frequency). This variant has not been reported in the literature in individuals affected with PLCG2-related conditions. ClinVar contains an entry for this variant (Variation ID: 1923594). Algorithms developed to predict the effect of missense changes on protein structure and function output the following: SIFT: "Not Available"; PolyPhen-2: "Benign"; Align-GVGD: "Not Available". The glutamine amino acid residue is found in multiple mammalian species, which suggests that this missense change does not adversely affect protein function. In summary, the available evidence is currently insufficient to determine the role of this variant in disease. Therefore, it has been classified as a Variant of Uncertain Significance.